The following is an entry in ClinVar:

ClinVar aggregate classification (germline): Uncertain significance. Review status: criteria provided, multiple submitters, no conflicts (2 of 4 stars). 2 submissions from 2 submitters: Uncertain significance (2). Last evaluated 2026-06-01.

Conditions:
Epidermolysis bullosa simplex 3, localized or generalized intermediate, with BP230 deficiency (EBS3). Also called: Epidermolysis bullosa simplex due to BP230 deficiency; Epidermolysis bullosa simplex, autosomal recessive 2. Identifiers: Orphanet 412181, MedGen C3809470, MONDO:0014180, OMIM 615425.
Hereditary sensory and autonomic neuropathy type 6. Also called: Neuropathy, hereditary sensory and autonomic, type VI; HSAN VI. Identifiers: Orphanet 314381, MedGen C3539003, MONDO:0013839, OMIM 614653.

Allele frequency attached by ClinVar (database versions not stated): gnomAD exomes below 0.00001 and 0.00001; TOPMed below 0.00001.
gnomAD v4.1: 5 of 1,613,950 alleles (0.00031%); highest among the groups gnomAD compares: Non-Finnish European, 0.00042%; no homozygotes.

Submissions (2):

CeGaT Center for Human Genetics Tuebingen
Classification: Uncertain significance. Last evaluated: 2026-06-01. Review status: criteria provided, single submitter. Criteria: CeGaT Center For Human Genetics Tuebingen Variant Classification Criteria Version 2. Collection method: clinical testing. Allele origin: germline. Affected: yes. Observed: 1 variant allele.
Comment: DST: PM2, BP4

Labcorp Genetics (formerly Invitae), Labcorp
Classification: Uncertain significance for Epidermolysis bullosa simplex 3, localized or generalized intermediate, with BP230 deficiency; Hereditary sensory and autonomic neuropathy type 6. Last evaluated: 2025-10-23. Review status: criteria provided, single submitter. Criteria: Invitae Variant Classification Sherloc (09022015). Collection method: clinical testing. Allele origin: germline.
Comment: The DST gene has multiple clinically relevant transcripts. This variant occurs in alternate transcript NM_015548.4, and corresponds to MM_001723.5:c.*63265C>G in the primary transcript. This sequence change replaces histidine, which is basic and polar, with aspartic acid, which is acidic and polar, at codon 2891 of the DST protein (p.His2891Asp). This variant is present in population databases (no rsID available, gnomAD 0.0009%). This variant has not been reported in the literature in individuals affected with DST-related conditions. Experimental studies and prediction algorithms are not available or were not evaluated, and the functional significance of this variant is currently unknown. In summary, the available evidence is currently insufficient to determine the role of this variant in disease. Therefore, it has been classified as a Variant of Uncertain Significance.

NM_001374736.1(DST):c.16540C>G (p.His5514Asp)

Gene: DST (dystonin; minus strand). Cytogenetic location: 6p12.1.
Variant type: single nucleotide variant.
Coding change: c.16540C>G on transcript NM_001374736.1 (MANE Select); coding-DNA position 16540, C replaced by G.
Protein change: p.His5514Asp; replaces histidine 5514 with aspartic acid.
Molecular consequence: missense variant.
Genome position (GRCh38, 1-based): chr6:56,552,252, G>C on the plus strand (C>G on the coding strand, the complement: DST is on the minus strand). VCF-style: chr6-56552252-G-C. GRCh37 (hg19) VCF-style: chr6-56417050-G-C.
Other names: c.10183C>G, p.His3395Asp (NM_001144769.5); c.9769C>G, p.His3257Asp (NM_001144770.2); c.16540C>G, p.His5514Asp (NM_001374722.1); c.15907C>G, p.His5303Asp (NM_001374729.1); c.9649C>G, p.His3217Asp (NM_001374730.1, NM_001386100.1, NM_183380.4); c.16567C>G, p.His5523Asp (NM_001374734.1); c.8671C>G, p.His2891Asp (NM_015548.5); short protein forms H3217D, H3395D, H5514D, H5303D, H5523D, H2891D, H3257D.
Identifiers: ClinVar variation 1427082 (VCV001427082.8), dbSNP rs984685578, ClinGen allele CA139205935.
Genomic context (GRCh38, chr6:56,552,252, plus strand): 5'-TGTTAAGCTGCTGATTAATTGTCTCCGTTTCCATACCAACAGGACCTTGTGACTCTTCAT[G>C]TTCTTCGGCTTTCTGGAGCAGAATAGAAAATTCTTTCAATTTGCTGTAAAATTCTTCAAG-3'
Protein context (NP_001361665.1, residues 5504-5524): FSILLQKAEE[His5514Asp]EESQGPVGME